The following is an entry in ClinVar:

ClinVar aggregate classification (germline): Uncertain significance (1 of 4 stars; one submission).

Conditions:
Hereditary cancer-predisposing syndrome. Also called: Neoplastic Syndromes, Hereditary; Hereditary neoplastic syndrome; Tumor predisposition; Hereditary Cancer Syndrome. Identifiers: Orphanet 140162, MedGen C0027672, MeSH D009386, MONDO:0015356.

Submission:

Ambry Genetics
Classification: Uncertain significance for Hereditary cancer-predisposing syndrome. Last evaluated: 2026-02-17. Review status: criteria provided, single submitter. Criteria: Ambry Variant Classification Scheme 2023. Collection method: clinical testing. Allele origin: germline.
Comment: The p.A208T variant (also known as c.622G>A), located in coding exon 1 of the AXIN2 gene, results from a G to A substitution at nucleotide position 622. The alanine at codon 208 is replaced by threonine, an amino acid with similar properties. This amino acid position is conserved. In addition, this alteration is predicted to be tolerated by in silico analysis. Based on the available evidence, the clinical significance of this variant remains unclear.

NM_004655.4(AXIN2):c.622G>A (p.Ala208Thr)

Gene: AXIN2 (axin 2; minus strand). Cytogenetic location: 17q24.1.
Variant type: single nucleotide variant.
Coding change: c.622G>A on transcript NM_004655.4 (MANE Select); coding-DNA position 622, G replaced by A.
Protein change: p.Ala208Thr; replaces alanine 208 with threonine.
Molecular consequence: missense variant.
Genome position (GRCh38, 1-based): chr17:65,557,999, C>T on the plus strand (G>A on the coding strand, the complement: AXIN2 is on the minus strand). VCF-style: chr17-65557999-C-T. GRCh37 (hg19) VCF-style: chr17-63554117-C-T.
Other names: c.622G>A, p.Ala208Thr (NM_001363813.1); short protein forms A208T.
Identifiers: ClinVar variation 4824628 (VCV004824628.1).